The following is an entry in ClinVar:

NM_000291.4(PGK1):c.553G>T (p.Ala185Ser)

Gene: PGK1 (phosphoglycerate kinase 1; plus strand). Cytogenetic location: Xq21.1.
Variant type: single nucleotide variant.
Coding change: c.553G>T on transcript NM_000291.4 (MANE Select); coding-DNA position 553, G replaced by T.
Protein change: p.Ala185Ser; replaces alanine 185 with serine.
Molecular consequence: missense variant.
Genome position (GRCh38, 1-based): chrX:78,118,082, G>T. VCF-style: chrX-78118082-G-T. GRCh37 (hg19) VCF-style: chrX-77373579-G-T.
Other names: short protein forms A185S.
Identifiers: ClinVar variation 1994781 (VCV001994781.4), dbSNP rs2522494351, ClinGen allele CA413721418.

ClinVar aggregate classification (germline): Uncertain significance (1 of 4 stars; one submission).

Submission:

Labcorp Genetics (formerly Invitae), Labcorp
Classification: Uncertain significance. Last evaluated: 2022-05-25. Review status: criteria provided, single submitter. Criteria: Invitae Variant Classification Sherloc (09022015). Collection method: clinical testing. Allele origin: germline.
Comment: This sequence change replaces alanine, which is neutral and non-polar, with serine, which is neutral and polar, at codon 185 of the PGK1 protein (p.Ala185Ser). This variant is not present in population databases (gnomAD no frequency). This variant has not been reported in the literature in individuals affected with PGK1-related conditions. Algorithms developed to predict the effect of missense changes on protein structure and function (SIFT, PolyPhen-2, Align-GVGD) all suggest that this variant is likely to be disruptive. In summary, the available evidence is currently insufficient to determine the role of this variant in disease. Therefore, it has been classified as a Variant of Uncertain Significance.